The following is an entry in ClinVar:

NM_201599.3(ZMYM3):c.353G>C (p.Gly118Ala)

Gene: ZMYM3 (zinc finger MYM-type containing 3; minus strand). Cytogenetic location: Xq13.1.
Variant type: single nucleotide variant.
Coding change: c.353G>C on transcript NM_201599.3 (MANE Select); coding-DNA position 353, G replaced by C.
Protein change: p.Gly118Ala; replaces glycine 118 with alanine.
Molecular consequence: missense variant.
Genome position (GRCh38, 1-based): chrX:71,252,903, C>G on the plus strand (G>C on the coding strand, the complement: ZMYM3 is on the minus strand). VCF-style: chrX-71252903-C-G. GRCh37 (hg19) VCF-style: chrX-70472753-C-G.
Other names: c.353G>C, p.Gly118Ala (NM_001171162.1, NM_001171163.1, NM_005096.3); short protein forms G118A.
Identifiers: ClinVar variation 3390503 (VCV003390503.2).

ClinVar aggregate classification (germline): Uncertain significance (1 of 4 stars; one submission).

Submission:

GeneDx
Classification: Uncertain significance. Last evaluated: 2025-01-10. Review status: criteria provided, single submitter. Criteria: GeneDx Variant Classification Process June 2021. Collection method: clinical testing. Allele origin: germline.
Comment: Not observed at significant frequency in large population cohorts (gnomAD); In silico analysis indicates that this missense variant does not alter protein structure/function; Has not been previously published as pathogenic or benign to our knowledge